The following is an entry in ClinVar:

NM_000082.4(ERCC8):c.162del (p.Glu55fs)

Gene: ERCC8 (ERCC excision repair 8, CSA ubiquitin ligase complex subunit; minus strand). Cytogenetic location: 5q12.1.
Variant type: Deletion.
Coding change: c.162del on transcript NM_000082.4 (MANE Select); coding-DNA position 162, one base deleted (T; older notation c.162delT).
Protein change: p.Glu55fs; shifts the reading frame from glutamic acid 55.
Molecular consequence: frameshift variant. On other transcripts: 5 prime UTR variant (2).
Genome position (GRCh38, 1-based): chr5:60,928,875, A deleted on the plus strand (T on the coding strand, the reverse complement: ERCC8 is on the minus strand); the first of 2 consecutive A bases (chr5:60,928,875-60,928,876); deleting either gives the same sequence. VCF-style (leftmost placement, unchanged base first): chr5-60928874-CA-C. GRCh37 (hg19) VCF-style: chr5-60224701-CA-C.
Other names: c.-231del (NM_001007233.3); c.162del, p.Glu55fs (NM_001007234.3); c.-216del (NM_001290285.2); short protein forms E55fs.
Identifiers: ClinVar variation 1388419 (VCV001388419.15), dbSNP rs756880941, ClinGen allele CA3277945.
Genomic context (GRCh38, chr5:60,928,874, plus strand): 5'-CTGCATTTCACTTAGAAAGAAAAATGATTATACAAGTATAATAAACTTACTATCTCCCTT[CA>C]ACAGGTTCAATGTCAAGGGTGTTAATTCCACCGCCGTGGATTCTTTCAACATCTCTGTCT-3'

ClinVar aggregate classification (germline): Pathogenic/Likely pathogenic. Review status: criteria provided, multiple submitters, no conflicts (2 of 4 stars). 3 submissions from 3 submitters: Pathogenic (2); Likely pathogenic (1). Last evaluated 2025-11-01.

Conditions:
UV-sensitive syndrome 2 (UVSS2). Identifiers: Orphanet 178338, MedGen C3553298, MONDO:0013829, OMIM 614621.
Cockayne syndrome type 1. Also called: Cockayne syndrome type I; Cockayne syndrome classical; Cockayne syndrome classic form. Identifiers: Orphanet 191, Orphanet 90321, MedGen C0751039, MONDO:0019569, OMIM 216400.

Submissions (3):

CeGaT Center for Human Genetics Tuebingen
Classification: Pathogenic. Last evaluated: 2025-11-01. Review status: criteria provided, single submitter. Criteria: CeGaT Center For Human Genetics Tuebingen Variant Classification Criteria Version 2. Collection method: clinical testing. Allele origin: germline. Affected: yes. Observed: 1 variant allele.
Comment: ERCC8: PVS1, PM2, PM3:Supporting

Fulgent Genetics
Classification: Likely pathogenic for Cockayne syndrome type 1; UV-sensitive syndrome 2. Last evaluated: 2024-01-08. Review status: criteria provided, single submitter. Criteria: ACMG Guidelines, 2015. Collection method: clinical testing. Allele origin: germline.

Labcorp Genetics (formerly Invitae), Labcorp
Classification: Pathogenic. Last evaluated: 2023-08-29. Review status: criteria provided, single submitter. Criteria: Invitae Variant Classification Sherloc (09022015). Collection method: clinical testing. Allele origin: germline.
Comment: This sequence change creates a premature translational stop signal (p.Glu55Lysfs*13) in the ERCC8 gene. It is expected to result in an absent or disrupted protein product. Loss-of-function variants in ERCC8 are known to be pathogenic (PMID: 29572252). This variant is present in population databases (rs756880941, gnomAD 0.0009%). This premature translational stop signal has been observed in individual(s) with clinical features of Cockayne syndrome (PMID: 29572252). ClinVar contains an entry for this variant (Variation ID: 1388419). For these reasons, this variant has been classified as Pathogenic.

Literature cited by the submitters: PubMed 29572252 (cited by Labcorp Genetics (formerly Invitae), Labcorp).